The following is an entry in ClinVar:

NM_007227.3(GPR45):c.776T>C (p.Leu259Ser)

Gene: GPR45 (G protein-coupled receptor 45; plus strand). Cytogenetic location: 2q12.1.
Variant type: single nucleotide variant.
Coding change: c.776T>C on transcript NM_007227.3 (MANE Select); coding-DNA position 776, T replaced by C.
Protein change: p.Leu259Ser; replaces leucine 259 with serine.
Molecular consequence: missense variant.
Genome position (GRCh38, 1-based): chr2:105,242,634, T>C. VCF-style: chr2-105242634-T-C. GRCh37 (hg19) VCF-style: chr2-105859091-T-C.
Other names: short protein forms L259S.
Identifiers: ClinVar variation 2089834 (VCV002089834.4), dbSNP rs774366129, ClinGen allele CA1813653.

ClinVar aggregate classification (germline): Uncertain significance (1 of 4 stars; one submission).

Allele frequency attached by ClinVar (database versions not stated): gnomAD exomes below 0.00001; ExAC 0.00001.
gnomAD v4.1: 2 of 1,603,032 alleles (0.00012%); highest among the groups gnomAD compares: Admixed American, 0.0034%; no homozygotes.

Submission:

Labcorp Genetics (formerly Invitae), Labcorp
Classification: Uncertain significance. Last evaluated: 2024-06-08. Review status: criteria provided, single submitter. Criteria: Invitae Variant Classification Sherloc (09022015). Collection method: clinical testing. Allele origin: germline.
Comment: This sequence change replaces leucine, which is neutral and non-polar, with serine, which is neutral and polar, at codon 259 of the GPR45 protein (p.Leu259Ser). This variant is present in population databases (rs774366129, gnomAD 0.006%). This variant has not been reported in the literature in individuals affected with GPR45-related conditions. ClinVar contains an entry for this variant (Variation ID: 2089834). An algorithm developed to predict the effect of missense changes on protein structure and function (PolyPhen-2) suggests that this variant is likely to be tolerated. In summary, the available evidence is currently insufficient to determine the role of this variant in disease. Therefore, it has been classified as a Variant of Uncertain Significance.